The following is an entry in ClinVar:

ClinVar aggregate classification (germline): Benign. Review status: criteria provided, multiple submitters, no conflicts (2 of 4 stars). 3 submissions from 3 submitters: Benign (2). 1 of the submissions does not count toward it. Last evaluated 2019-01-25.

Conditions:
Monogenic diabetes. Identifiers: Orphanet 183625, MedGen C3888631, MONDO:0015967.
PPP1R3A-related disorder. Also called: PPP1R3A-related condition.

Allele frequency attached by ClinVar (database versions not stated): gnomAD exomes 0.00095 and 0.00243; ExAC 0.00268; gnomAD 0.00777 and 0.00825; ESP Exome Variant Server 0.00915; 1000 Genomes Project 0.00938; TOPMed 0.00962; 1000 Genomes Project 30x 0.01015.
gnomAD v4.1: 2,687 of 1,613,576 alleles (0.17%); highest among the groups gnomAD compares: African/African-American, 2.5%; 33 homozygotes.

Submissions (3):

Personalized Diabetes Medicine Program, University of Maryland School of Medicine
Classification: Benign for Monogenic diabetes. Last evaluated: 2019-01-25. Review status: criteria provided, single submitter. Criteria: ACMG Guidelines, 2015. Collection method: research. Allele origin: unknown. Observed: 3 variant alleles, 2 heterozygotes, 1 homozygote.
Comment: ACMG criteria: BP4 (9 predictors, REVEL = 0.006), BA1 (2.5% in gnomAD African population, 3% in 1000G African population), BS2 (69 cases and 69 controls in an online resource, 9 homozygotes in gnomAD) = benign

Breakthrough Genomics
Classification: Benign. Review status: criteria provided, single submitter. Criteria: ACMG Guidelines, 2015. Collection method: not provided. Allele origin: germline. Inheritance: Autosomal dominant inheritance. Affected: yes.

PreventionGenetics, part of Exact Sciences
Classification: Benign for PPP1R3A-related condition. Last evaluated: 2019-03-14. Review status: no assertion criteria provided. Collection method: clinical testing. Allele origin: germline. Not counted in ClinVar's aggregate classification.
Comment: This variant is classified as benign based on ACMG/AMP sequence variant interpretation guidelines (Richards et al. 2015 PMID: 25741868, with internal and published modifications).

NM_002711.4(PPP1R3A):c.1835G>A (p.Gly612Glu)

Gene: PPP1R3A (protein phosphatase 1 regulatory subunit 3A; minus strand). Cytogenetic location: 7q31.1.
Variant type: single nucleotide variant.
Coding change: c.1835G>A on transcript NM_002711.4 (MANE Select); coding-DNA position 1835, G replaced by A.
Protein change: p.Gly612Glu; replaces glycine 612 with glutamic acid.
Molecular consequence: missense variant.
Genome position (GRCh38, 1-based): chr7:113,879,257, C>T on the plus strand (G>A on the coding strand, the complement: PPP1R3A is on the minus strand). VCF-style: chr7-113879257-C-T. GRCh37 (hg19) VCF-style: chr7-113519312-C-T.
Other names: c.1835G>A (NM_002711.3); short protein forms G612E.
Identifiers: ClinVar variation 917451 (VCV000917451.5), dbSNP rs76910192, ClinGen allele CA4445186.